The following is an entry in ClinVar:

NM_003611.3(OFD1):c.959A>C (p.Lys320Thr)

Gene: OFD1 (OFD1 centriole and centriolar satellite protein; plus strand). Cytogenetic location: Xp22.2.
Variant type: single nucleotide variant.
Coding change: c.959A>C on transcript NM_003611.3 (MANE Select); coding-DNA position 959, A replaced by C.
Protein change: p.Lys320Thr; replaces lysine 320 with threonine.
Molecular consequence: missense variant. On other transcripts: intron variant (1).
Genome position (GRCh38, 1-based): chrX:13,751,272, A>C. VCF-style: chrX-13751272-A-C. GRCh37 (hg19) VCF-style: chrX-13769391-A-C.
Other names: c.539A>C, p.Lys180Thr (NM_001330210.2); c.935+1739A>C (NM_001330209.2); short protein forms K180T, K320T.
Identifiers: ClinVar variation 1357106 (VCV001357106.8), dbSNP rs2146992341, ClinGen allele CA412339507.

ClinVar aggregate classification (germline): Uncertain significance (1 of 4 stars; one submission).

Conditions:
Joubert syndrome. Also called: CEREBELLOPARENCHYMAL DISORDER IV; JOUBERT-BOLTSHAUSER SYNDROME; Familial aplasia of the vermis. Identifiers: Orphanet 475, MedGen C5979921, MONDO:0018772.
Orofaciodigital syndrome I (OFD1). Also called: OFDS I; Papillon-Leage and Psaume Syndrome; Oral-Facial-Digital Syndrome Type I. Identifiers: Orphanet 2750, MedGen C1510460, MONDO:0010702, OMIM 311200.

Submission:

Labcorp Genetics (formerly Invitae), Labcorp
Classification: Uncertain significance for Orofaciodigital syndrome I; Joubert syndrome. Last evaluated: 2024-04-16. Review status: criteria provided, single submitter. Criteria: Invitae Variant Classification Sherloc (09022015). Collection method: clinical testing. Allele origin: germline.
Comment: This sequence change replaces lysine, which is basic and polar, with threonine, which is neutral and polar, at codon 320 of the OFD1 protein (p.Lys320Thr). This variant is not present in population databases (gnomAD no frequency). This variant has not been reported in the literature in individuals affected with OFD1-related conditions. ClinVar contains an entry for this variant (Variation ID: 1357106). Advanced modeling of protein sequence and biophysical properties (such as structural, functional, and spatial information, amino acid conservation, physicochemical variation, residue mobility, and thermodynamic stability) performed at Invitae indicates that this missense variant is not expected to disrupt OFD1 protein function with a negative predictive value of 80%. In summary, the available evidence is currently insufficient to determine the role of this variant in disease. Therefore, it has been classified as a Variant of Uncertain Significance.